The following is an entry in ClinVar:

NM_000257.4(MYH7):c.932C>A (p.Ala311Glu)

Gene: MYH7 (myosin heavy chain 7; minus strand). Cytogenetic location: 14q11.2.
Variant type: single nucleotide variant.
Coding change: c.932C>A on transcript NM_000257.4 (MANE Select); coding-DNA position 932, C replaced by A.
Protein change: p.Ala311Glu; replaces alanine 311 with glutamic acid.
Molecular consequence: missense variant.
Genome position (GRCh38, 1-based): chr14:23,430,627, G>T on the plus strand (C>A on the coding strand, the complement: MYH7 is on the minus strand). VCF-style: chr14-23430627-G-T. GRCh37 (hg19) VCF-style: chr14-23899836-G-T.
Other names: short protein forms A311E.
Identifiers: ClinVar variation 1393612 (VCV001393612.6), dbSNP rs2138679338, ClinGen allele CA389051723.

ClinVar aggregate classification (germline): Uncertain significance (1 of 4 stars; one submission).

Conditions:
Hypertrophic cardiomyopathy. Also called: HYPERTROPHIC MYOCARDIOPATHY. Identifiers: Orphanet 217569, MedGen C0007194, MeSH D002312, MONDO:0005045, HP:0001639.

Submission:

Labcorp Genetics (formerly Invitae), Labcorp
Classification: Uncertain significance for Hypertrophic cardiomyopathy. Last evaluated: 2021-11-16. Review status: criteria provided, single submitter. Criteria: Invitae Variant Classification Sherloc (09022015). Collection method: clinical testing. Allele origin: germline.
Comment: In summary, the available evidence is currently insufficient to determine the role of this variant in disease. Therefore, it has been classified as a Variant of Uncertain Significance. This variant is found within a region of MYH7 between codons 181 and 937 that contains the majority of the myosin head domain. Missense variants in this region have been shown to be significantly overrepresented in individuals with hypertrophic cardiomyopathy (PMID: 27532257). Algorithms developed to predict the effect of missense changes on protein structure and function are either unavailable or do not agree on the potential impact of this missense change (SIFT: "Deleterious"; PolyPhen-2: "Possibly Damaging"; Align-GVGD: "Class C0"). This variant has not been reported in the literature in individuals affected with MYH7-related conditions. This variant is not present in population databases (gnomAD no frequency). This sequence change replaces alanine, which is neutral and non-polar, with glutamic acid, which is acidic and polar, at codon 311 of the MYH7 protein (p.Ala311Glu).

Literature cited by the submitters: PubMed 27532257.